The following is an entry in ClinVar:

ClinVar aggregate classification (germline): Pathogenic. Review status: criteria provided, multiple submitters, no conflicts (2 of 4 stars). 2 submissions from 2 submitters: Pathogenic (2). Last evaluated 2025-06-16.

Conditions:
Familial hypokalemia-hypomagnesemia (GTLMNS). Also called: HYPOMAGNESEMIA-HYPOKALEMIA, PRIMARY RENOTUBULAR, WITH HYPOCALCIURIA; POTASSIUM AND MAGNESIUM DEPLETION; gitelman syndrome. Identifiers: Orphanet 358, MedGen C0268450, MONDO:0009904, OMIM 263800.

gnomAD v4.1: 2 of 1,611,906 alleles (0.00012%); highest among the groups gnomAD compares: Non-Finnish European, 0.000085%; no homozygotes.

Submissions (2):

Natera, Inc.
Classification: Pathogenic for Gitelman syndrome. Last evaluated: 2025-06-16. Review status: criteria provided, single submitter. Criteria: Natera Variant Classification Schema (03/2026). Collection method: clinical testing. Allele origin: germline.
Comment: The c.2660+1G>C variant in SLC12A3 is a canonical splice donor site variant predicted to affect pre-mRNA splicing, which may result in an abnormal transcript and altered protein product. This variant is expected to result in nonsense mediated decay, truncation, or a dysfunctional protein product. This variant is rare in the general population with a frequency below the threshold expected for the associated phenotype(s). This variant has been observed in one or more individuals affected with the associated recessive disease, as either homozygous or compound heterozygous with a second variant (PMID: 17059986). Another variant at this same site results in an alteration predicted to cause a similar molecular effect has been observed in individual(s) with the associated phenotype. Given the available evidence, this variant is classified as Pathogenic.

Fulgent Genetics
Classification: Pathogenic for Familial hypokalemia-hypomagnesemia. Last evaluated: 2024-02-26. Review status: criteria provided, single submitter. Criteria: ACMG Guidelines, 2015. Collection method: clinical testing. Allele origin: germline.

Literature cited by the submitters: PubMed 17059986 (cited by Natera, Inc.).

NM_001126108.2(SLC12A3):c.2633+1G>C

Gene: SLC12A3 (solute carrier family 12 member 3; plus strand). Cytogenetic location: 16q13.
Variant type: single nucleotide variant.
Coding change: c.2633+1G>C on transcript NM_001126108.2 (MANE Select); the canonical splice donor site of the intron after coding-DNA position 2633, G replaced by C.
Molecular consequence: splice donor variant.
Genome position (GRCh38, 1-based): chr16:56,894,643, G>C. VCF-style: chr16-56894643-G-C. GRCh37 (hg19) VCF-style: chr16-56928555-G-C.
Other names: c.2660+1G>C (NM_000339.3, NM_000339.2); c.2657+1G>C (NM_001126107.2); c.2630+1G>C (NM_001410896.1).
Identifiers: ClinVar variation 3581062 (VCV003581062.2).